The following is an entry in ClinVar:

ClinVar aggregate classification (germline): Uncertain significance (1 of 4 stars; one submission).

Submission:

Labcorp Genetics (formerly Invitae), Labcorp
Classification: Uncertain significance. Last evaluated: 2024-11-27. Review status: criteria provided, single submitter. Criteria: Invitae Variant Classification Sherloc (09022015). Collection method: clinical testing. Allele origin: germline.
Comment: This sequence change replaces glutamic acid, which is acidic and polar, with aspartic acid, which is acidic and polar, at codon 101 of the POLD2 protein (p.Glu101Asp). This variant is not present in population databases (gnomAD no frequency). This variant has not been reported in the literature in individuals affected with POLD2-related conditions. ClinVar contains an entry for this variant (Variation ID: 2880633). Experimental studies and prediction algorithms are not available or were not evaluated, and the functional significance of this variant is currently unknown. In summary, the available evidence is currently insufficient to determine the role of this variant in disease. Therefore, it has been classified as a Variant of Uncertain Significance.

NM_006230.4(POLD2):c.198G>C (p.Glu66Asp)

Gene: POLD2 (DNA polymerase delta 2, accessory subunit; minus strand). Cytogenetic location: 7p13.
Variant type: single nucleotide variant.
Coding change: c.198G>C on transcript NM_006230.4 (MANE Select); coding-DNA position 198, G replaced by C.
Protein change: p.Glu66Asp; replaces glutamic acid 66 with aspartic acid.
Molecular consequence: missense variant.
Genome position (GRCh38, 1-based): chr7:44,121,856, C>G on the plus strand (G>C on the coding strand, the complement: POLD2 is on the minus strand). VCF-style: chr7-44121856-C-G. GRCh37 (hg19) VCF-style: chr7-44161455-C-G.
Other names: c.198G>C, p.Glu66Asp (NM_001127218.3, NM_001256879.2); short protein forms E66D.
Identifiers: ClinVar variation 2880633 (VCV002880633.3), dbSNP rs772376974, ClinGen allele CA367386962.
Genomic context (GRCh38, chr7:44,121,856, plus strand): 5'-ATGCTGTGGGGGAAGCACCTTCCCAAACTCTCACTTACCCCAGTGCTGCTGGGCCCGGTT[C>G]TCCAGGAAGGGTCTCATTTGGATGAGGCGGGTGGCATAAATGTGGGCATACTGCCGGCTA-3'
Protein context (NP_006221.3, residues 56-76): TRLIQMRPFL[Glu66Asp]NRAQQHWGSG